The following is an entry in ClinVar:

ClinVar aggregate classification (germline): Uncertain significance (1 of 4 stars; one submission).

Conditions:
Peripheral neuropathy-myopathy-hoarseness-hearing loss syndrome. Identifiers: Orphanet 397744, MedGen C3280556, MONDO:0013711, OMIM 614369.

Submission:

MGZ Medical Genetics Center
Classification: Uncertain significance for Peripheral neuropathy-myopathy-hoarseness-hearing loss syndrome. Last evaluated: 2021-08-31. Review status: criteria provided, single submitter. Criteria: ACMG Guidelines, 2015. Collection method: clinical testing. Allele origin: germline. Affected: yes. Observed: 1 variant allele.
Comment: ACMG criteria applied: PM2_SUP, PP3

NM_001145809.2(MYH14):c.2272C>G (p.Arg758Gly)

Gene: MYH14 (myosin heavy chain 14; plus strand). Cytogenetic location: 19q13.33.
Variant type: single nucleotide variant.
Coding change: c.2272C>G on transcript NM_001145809.2 (MANE Select); coding-DNA position 2272, C replaced by G.
Protein change: p.Arg758Gly; replaces arginine 758 with glycine.
Molecular consequence: missense variant.
Genome position (GRCh38, 1-based): chr19:50,259,183, C>G. VCF-style: chr19-50259183-C-G. GRCh37 (hg19) VCF-style: chr19-50762440-C-G.
Other names: c.2173C>G, p.Arg725Gly (NM_001077186.2); c.2149C>G, p.Arg717Gly (NM_024729.4); short protein forms R717G, R725G, R758G.
Identifiers: ClinVar variation 1709902 (VCV001709902.2), dbSNP rs1252157393, ClinGen allele CA406944869.